The following is an entry in ClinVar:

NM_172107.4(KCNQ2):c.2258C>T (p.Ser753Phe)

Gene: KCNQ2 (potassium voltage-gated channel subfamily Q member 2; minus strand). Cytogenetic location: 20q13.33.
Variant type: single nucleotide variant.
Coding change: c.2258C>T on transcript NM_172107.4 (MANE Select); coding-DNA position 2258, C replaced by T.
Protein change: p.Ser753Phe; replaces serine 753 with phenylalanine.
Molecular consequence: missense variant.
Genome position (GRCh38, 1-based): chr20:63,407,005, G>A on the plus strand (C>T on the coding strand, the complement: KCNQ2 is on the minus strand). VCF-style: chr20-63407005-G-A. GRCh37 (hg19) VCF-style: chr20-62038358-G-A.
Other names: c.2312C>T, p.Ser771Phe (NM_001382235.1); c.2174C>T, p.Ser725Phe (NM_004518.6); c.2204C>T, p.Ser735Phe (NM_172106.3); c.2165C>T, p.Ser722Phe (NM_172108.5); short protein forms S722F, S725F, S735F, S753F, S771F.
Identifiers: ClinVar variation 3775430 (VCV003775430.1).

ClinVar aggregate classification (germline): Uncertain significance (1 of 4 stars; one submission).

Conditions:
Seizures, benign familial neonatal, 1. Also called: KCNQ2-Related Self-Limited Familial Neonatal Epilepsy (SLFNE); KCNQ2-Related Benign Familial Neonatal Epilepsy; Seizures, benign neonatal, 1; Benign Neonatal Epilepsy 1. Identifiers: Orphanet 1949, MedGen C3149074, MONDO:0007365, OMIM 121200.

Submission:

3billion
Classification: Uncertain significance for Seizures, benign familial neonatal, 1. Last evaluated: 2023-08-25. Review status: criteria provided, single submitter. Criteria: ACMG Guidelines, 2015. Collection method: clinical testing. Allele origin: germline. Affected: yes.
Comment: The variant is not observed in the gnomAD v2.1.1 dataset. Predicted Consequence/Location: Missense changes are a common disease-causing mechanism. In silico tool predictions suggest damaging effect of the variant on gene or gene product [REVEL: 0.65 (>=0.6, sensitivity 0.68 and specificity 0.92). Therefore, this variant is classified as VUS according to the recommendation of ACMG/AMP guideline.